The following is an entry in ClinVar:

ClinVar aggregate classification (germline): Uncertain significance (1 of 4 stars; one submission).

Conditions:
Developmental and epileptic encephalopathy, 36 (DEE36). Also called: Epileptic encephalopathy, early infantile, 36; Congenital disorder of glycosylation, type Is; ALG13-CDG. Identifiers: Orphanet 324422, MedGen C4317295, MONDO:0010472, OMIM 300884.

Allele frequency attached by ClinVar (database versions not stated): gnomAD exomes below 0.00001.
gnomAD v4.1: 1 of 1,211,359 alleles (0.000083%); highest among the groups gnomAD compares: Non-Finnish European, 0.00011%; no homozygotes.

Submission:

Labcorp Genetics (formerly Invitae), Labcorp
Classification: Uncertain significance for Developmental and epileptic encephalopathy, 36. Last evaluated: 2022-02-05. Review status: criteria provided, single submitter. Criteria: Invitae Variant Classification Sherloc (09022015). Collection method: clinical testing. Allele origin: germline.
Comment: This variant has not been reported in the literature in individuals affected with ALG13-related conditions. This variant is not present in population databases (gnomAD no frequency). This sequence change replaces leucine, which is neutral and non-polar, with valine, which is neutral and non-polar, at codon 778 of the ALG13 protein (p.Leu778Val). In summary, the available evidence is currently insufficient to determine the role of this variant in disease. Therefore, it has been classified as a Variant of Uncertain Significance. Algorithms developed to predict the effect of missense changes on protein structure and function are either unavailable or do not agree on the potential impact of this missense change (SIFT: "Deleterious"; PolyPhen-2: "Benign"; Align-GVGD: "Class C0").

NM_001099922.3(ALG13):c.2332T>G (p.Leu778Val)

Gene: ALG13 (ALG13 UDP-N-acetylglucosaminyltransferase subunit; plus strand). Cytogenetic location: Xq23.
Variant type: single nucleotide variant.
Coding change: c.2332T>G on transcript NM_001099922.3 (MANE Select); coding-DNA position 2332, T replaced by G.
Protein change: p.Leu778Val; replaces leucine 778 with valine.
Molecular consequence: missense variant. On other transcripts: non-coding transcript variant (1).
Genome position (GRCh38, 1-based): chrX:111,728,269, T>G. VCF-style: chrX-111728269-T-G. GRCh37 (hg19) VCF-style: chrX-110971497-T-G.
Other names: c.2020T>G, p.Leu674Val (NM_001257230.2, NM_001257234.2, NM_001257237.2); c.2098T>G, p.Leu700Val (NM_001257231.2); c.2332T>G, p.Leu778Val (NM_001324292.2); c.1846T>G, p.Leu616Val (NM_001324293.1); short protein forms L700V, L778V, L674V, L616V.
Identifiers: ClinVar variation 1511733 (VCV001511733.8), dbSNP rs755678773, ClinGen allele CA414253795.